The following is an entry in ClinVar:

ClinVar aggregate classification (germline): Uncertain significance (1 of 4 stars; one submission).

Submission:

GeneDx
Classification: Uncertain significance. Last evaluated: 2026-08-17. Review status: criteria provided, single submitter. Criteria: GeneDx Variant Classification Process June 2021. Collection method: clinical testing. Allele origin: germline.
Comment: Not observed at significant frequency in large population cohorts (gnomAD); In silico analysis supports that this missense variant has a deleterious effect on protein structure/function; Has not been previously published as pathogenic or benign to our knowledge

NM_032188.3(KAT8):c.756T>A (p.Asp252Glu)

Gene: KAT8 (lysine acetyltransferase 8; plus strand). Cytogenetic location: 16p11.2.
Variant type: single nucleotide variant.
Coding change: c.756T>A on transcript NM_032188.3 (MANE Select); coding-DNA position 756, T replaced by A.
Protein change: p.Asp252Glu; replaces aspartic acid 252 with glutamic acid.
Molecular consequence: missense variant.
Genome position (GRCh38, 1-based): chr16:31,128,124, T>A. VCF-style: chr16-31128124-T-A. GRCh37 (hg19) VCF-style: chr16-31139445-T-A.
Other names: c.756T>A, p.Asp252Glu (NM_182958.4); short protein forms D252E.
Identifiers: ClinVar variation 3363315 (VCV003363315.2).